The following is an entry in ClinVar:

NM_005337.5(NCKAP1L):c.295A>G (p.Met99Val)

Gene: NCKAP1L (NCK associated protein 1 like; plus strand). Cytogenetic location: 12q13.2.
Variant type: single nucleotide variant.
Coding change: c.295A>G on transcript NM_005337.5 (MANE Select); coding-DNA position 295, A replaced by G.
Protein change: p.Met99Val; replaces methionine 99 with valine.
Molecular consequence: missense variant.
Genome position (GRCh38, 1-based): chr12:54,500,614, A>G. VCF-style: chr12-54500614-A-G. GRCh37 (hg19) VCF-style: chr12-54894398-A-G.
Other names: c.145A>G, p.Met49Val (NM_001184976.2); short protein forms M49V, M99V.
Identifiers: ClinVar variation 2020715 (VCV002020715.4), dbSNP rs2498566072, ClinGen allele CA385125717.

ClinVar aggregate classification (germline): Uncertain significance (1 of 4 stars; one submission).

Submission:

Labcorp Genetics (formerly Invitae), Labcorp
Classification: Uncertain significance. Last evaluated: 2022-07-30. Review status: criteria provided, single submitter. Criteria: Invitae Variant Classification Sherloc (09022015). Collection method: clinical testing. Allele origin: germline.
Comment: Algorithms developed to predict the effect of missense changes on protein structure and function (SIFT, PolyPhen-2, Align-GVGD) all suggest that this variant is likely to be tolerated. In summary, the available evidence is currently insufficient to determine the role of this variant in disease. Therefore, it has been classified as a Variant of Uncertain Significance. This variant has not been reported in the literature in individuals affected with NCKAP1L-related conditions. This variant is not present in population databases (gnomAD no frequency). This sequence change replaces methionine, which is neutral and non-polar, with valine, which is neutral and non-polar, at codon 99 of the NCKAP1L protein (p.Met99Val).